The following is an entry in ClinVar:

ClinVar aggregate classification (germline): Uncertain significance. Review status: criteria provided, multiple submitters, no conflicts (2 of 4 stars). 2 submissions from 2 submitters: Uncertain significance (2). Last evaluated 2022-06-10.

Conditions:
Asphyxiating thoracic dystrophy 5 (SRTD5). Also called: SHORT-RIB THORACIC DYSPLASIA 5 WITH OR WITHOUT POLYDACTYLY; SHORT-RIB THORACIC DYSPLASIA 5 WITHOUT POLYDACTYLY. Identifiers: Orphanet 474, MedGen C3280598, MONDO:0013717, OMIM 614376.
Senior-Loken syndrome 8 (SLSN8). Identifiers: Orphanet 3156, MedGen C4225376, MONDO:0014579, OMIM 616307.

Allele frequency attached by ClinVar (database versions not stated): ExAC 0.00002.
gnomAD v4.1: 7 of 1,613,898 alleles (0.00043%); highest among the groups gnomAD compares: Admixed American, 0.01%; no homozygotes.

Submissions (2):

Labcorp Genetics (formerly Invitae), Labcorp
Classification: Uncertain significance for Senior-Loken syndrome 8; Asphyxiating thoracic dystrophy 5. Last evaluated: 2022-06-10. Review status: criteria provided, single submitter. Criteria: Invitae Variant Classification Sherloc (09022015). Collection method: clinical testing. Allele origin: germline.
Comment: This sequence change replaces threonine, which is neutral and polar, with asparagine, which is neutral and polar, at codon 619 of the WDR19 protein (p.Thr619Asn). This variant is present in population databases (rs777737446, gnomAD 0.02%). This variant has not been reported in the literature in individuals affected with WDR19-related conditions. Algorithms developed to predict the effect of missense changes on protein structure and function are either unavailable or do not agree on the potential impact of this missense change (SIFT: "Deleterious"; PolyPhen-2: "Benign"; Align-GVGD: "Class C0"). In summary, the available evidence is currently insufficient to determine the role of this variant in disease. Therefore, it has been classified as a Variant of Uncertain Significance.

Blueprint Genetics
Classification: Uncertain significance. Last evaluated: 2019-09-30. Review status: criteria provided, single submitter. Criteria: ACMG Guidelines, 2015. Collection method: clinical testing. Allele origin: germline.

NM_025132.4(WDR19):c.1856C>A (p.Thr619Asn)

Gene: WDR19 (WD repeat domain 19; plus strand). Cytogenetic location: 4p14.
Variant type: single nucleotide variant.
Coding change: c.1856C>A on transcript NM_025132.4 (MANE Select); coding-DNA position 1856, C replaced by A.
Protein change: p.Thr619Asn; replaces threonine 619 with asparagine.
Molecular consequence: missense variant.
Genome position (GRCh38, 1-based): chr4:39,228,564, C>A. VCF-style: chr4-39228564-C-A. GRCh37 (hg19) VCF-style: chr4-39230184-C-A.
Other names: c.1376C>A, p.Thr459Asn (NM_001317924.2); short protein forms T459N, T619N.
Identifiers: ClinVar variation 2045888 (VCV002045888.2), dbSNP rs777737446, ClinGen allele CA2891953.